The following is an entry in ClinVar:

ClinVar aggregate classification (germline): Uncertain significance (1 of 4 stars; one submission).

Conditions:
NOM1-related condition.

gnomAD v4.1: 15 of 1,614,150 alleles (0.00093%); highest among the groups gnomAD compares: South Asian, 0.015%; no homozygotes.

Submission:

PreventionGenetics, part of Exact Sciences
Classification: Uncertain significance for NOM1-related condition. Last evaluated: 2026-01-26. Review status: criteria provided, single submitter. Criteria: ACMG Guidelines, 2015. Collection method: clinical testing. Allele origin: germline.
Comment: The NOM1 c.674C>T variant is predicted to result in the amino acid substitution p.Ser225Phe. To our knowledge, this variant has not been reported in the literature. This variant is reported in 0.0065% of alleles in individuals of South Asian descent in gnomAD. At this time, the clinical significance of this variant is uncertain due to the absence of conclusive functional and genetic evidence.

NM_138400.2(NOM1):c.674C>T (p.Ser225Phe)

Gene: NOM1 (nucleolar protein with MIF4G domain 1; plus strand). Cytogenetic location: 7q36.3.
Variant type: single nucleotide variant.
Coding change: c.674C>T on transcript NM_138400.2 (MANE Select); coding-DNA position 674, C replaced by T.
Protein change: p.Ser225Phe; replaces serine 225 with phenylalanine.
Molecular consequence: missense variant.
Genome position (GRCh38, 1-based): chr7:156,950,411, C>T. VCF-style: chr7-156950411-C-T. GRCh37 (hg19) VCF-style: chr7-156743105-C-T.
Other names: c.674C>T, p.Ser225Phe (NM_001353366.2); short protein forms S225F.
Identifiers: ClinVar variation 4987528 (VCV004987528.1).